The following is an entry in ClinVar:

ClinVar aggregate classification (germline): Pathogenic. Review status: criteria provided, multiple submitters, no conflicts (2 of 4 stars). 48 submissions from 42 submitters: Pathogenic (37). 11 of the submissions do not count toward it. Last evaluated 2026-04-10.

Conditions:
Zellweger spectrum disorders (ZS). Also called: Zellweger syndrome; Zellweger Spectrum Disorder (ZSD); Zellweger Spectrum Disorder; Zellweger Spectrum. Identifiers: Orphanet 912, MedGen C0043459, MONDO:0019609.
PEX1-related disorder. Also called: PEX1-related condition.
Peroxisome biogenesis disorder due to PEX1 defect. Identifiers: MedGen CN305475, MONDO:0100259.
Peroxisome biogenesis disorder 1A (Zellweger) (PBD1A). Also called: Peroxisome biogenesis disorder 1a; Zellweger leukodystrophy. Identifiers: MedGen C4721541, MONDO:0008953, OMIM 214100.
Peroxisome biogenesis disorder 1B (PBD1B). Also called: PEROXISOME BIOGENESIS DISORDER (NEONATAL ADRENOLEUKODYSTROPHY/INFANTILE REFSUM DISEASE); INFANTILE PHYTANIC ACID STORAGE DISEASE; PEROXISOME BIOGENESIS DISORDER (NALD/IRD); ADRENOLEUKODYSTROPHY, AUTOSOMAL NEONATAL; Refsum disease, infantile form; Infantile Refsum disease. Identifiers: Orphanet 44, MedGen C0282527, MONDO:0011101, OMIM 601539.
Heimler syndrome 1 (HMLR1). Also called: PEROXISOME BIOGENESIS DISORDER 1C. Identifiers: Orphanet 3220, MedGen C4551980, OMIM 234580, MONDO:0024544.
Inborn genetic diseases. Identifiers: MedGen C0950123, MeSH D030342.
Retinal dystrophy. Also called: Inherited retinal dystrophy. Identifiers: Orphanet 71862, MedGen C0854723, MeSH D058499, MONDO:0019118, HP:0000556.
Peroxisome biogenesis disorder. Identifiers: Orphanet 79189, MedGen C1832200, MONDO:0019234. Disease mechanism: loss of function.
Leber congenital amaurosis (LCA). Also called: Leber's amaurosis. Identifiers: Orphanet 65, MedGen C0339527, MeSH D057130, MONDO:0018998.
Peroxisomal disorder. Identifiers: Orphanet 68373, MedGen C0282528, MONDO:0019053.

Allele frequency attached by ClinVar (database versions not stated): TOPMed 0.00038 and 0.00032; ExAC 0.00026; gnomAD exomes 0.00032; gnomAD 0.00025 and 0.00034.
gnomAD v4.1: 878 of 1,613,840 alleles (0.054%); highest among the groups gnomAD compares: Non-Finnish European, 0.071%; no homozygotes.

Submissions 1 to 7 of 48:

PreventionGenetics, part of Exact Sciences
Classification: Pathogenic for PEX1-related condition. Last evaluated: 2026-04-10. Review status: criteria provided, single submitter. Criteria: ACMG Guidelines, 2015. Collection method: clinical testing. Allele origin: germline.
Comment: The PEX1 c.2528G>A variant is predicted to result in the amino acid substitution p.Gly843Asp. This variant has been reported as a common pathogenic variant associated with autosomal recessive peroxisome biogenesis disorders (PBD) (Rosewich et al. 2005. PubMed ID: 16141001; Imamura et al. 1998. PubMed ID: 9817926; Gärtner et al. 1999. PubMed ID: 10384394). It has also been reported in individuals with inherited retinal disease (Table S1, Lin et al. 2024. PubMed ID: 38219857). This variant is reported in 0.062% of alleles in individuals of European (non-Finnish) descent in gnomAD and is interpreted as pathogenic by multiple submitters to ClinVar (Variation ID: 7516). Taken together, this variant is interpreted as pathogenic.

Labcorp Genetics (formerly Invitae), Labcorp
Classification: Pathogenic for Zellweger spectrum disorders. Last evaluated: 2026-01-24. Review status: criteria provided, single submitter. Criteria: Invitae Variant Classification Sherloc (09022015). Collection method: clinical testing. Allele origin: germline.
Comment: This sequence change replaces glycine, which is neutral and non-polar, with aspartic acid, which is acidic and polar, at codon 843 of the PEX1 protein (p.Gly843Asp). This variant is present in population databases (rs61750420, gnomAD 0.06%). This missense change has been observed in individual(s) with peroxisomal biogenesis disorder (PMID: 9398847, 10447258, 26287655, 26643206, 27090541, 27872819, 27882258). In at least one individual the data is consistent with being in trans (on the opposite chromosome) from a pathogenic variant. ClinVar contains an entry for this variant (Variation ID: 7516). Invitae Evidence Modeling of protein sequence and biophysical properties (such as structural, functional, and spatial information, amino acid conservation, physicochemical variation, residue mobility, and thermodynamic stability) indicates that this missense variant is expected to disrupt PEX1 protein function with a positive predictive value of 95%. Experimental studies have shown that this missense change affects PEX1 function (PMID: 12402331, 24503136). For these reasons, this variant has been classified as Pathogenic.

Mayo Clinic Laboratories, Mayo Clinic
Classification: Pathogenic. Last evaluated: 2025-09-03. Review status: criteria provided, single submitter. Criteria: ACMG Guidelines, 2015. Collection method: clinical testing. Allele origin: germline. Observed: 4 variant alleles.
Comment: PP3_strong, PP4, PM2_supporting, PM3_very_strong

Natera, Inc.
Classification: Pathogenic for Zellweger syndrome. Last evaluated: 2025-08-26. Review status: criteria provided, single submitter. Criteria: Natera Variant Classification Schema (03/2026). Collection method: clinical testing. Allele origin: germline.
Comment: The c.2528G>A variant in PEX1 is a missense variant predicted to cause substitution of glycine to aspartic acid at amino acid 843. This variant is rare in the general population with a frequency below the threshold expected for the associated phenotype(s). This variant has been observed in one or more individuals affected with the associated recessive disease, as either homozygous or compound heterozygous with a second variant (PMID: 10447258). Computational prediction algorithms indicate this variant is likely to affect gene or protein function. Given the available evidence, this variant is classified as Pathogenic.

ARUP Laboratories, Molecular Genetics and Genomics, ARUP Laboratories
Classification: Pathogenic. Last evaluated: 2025-05-01. Review status: criteria provided, single submitter. Criteria: ARUP Molecular Germline Variant Investigation Process 2024. Collection method: clinical testing. Allele origin: germline.
Comment: The PEX1 c.2528G>A; p.Gly843Asp variant (rs61750420, ClinVar Variation ID 7516) is one of the two most common PEX1 variants reported in the literature in both homozygous and compound heterozygous states in individuals affected with Zellweger syndrome (Berendse 2019, Gragnaniello 2023, Griffith 2022, Maxwell 2002, Reuber 1997). Homozygous carriers of p.Gly843Asp present milder phenotypes with better developmental outcomes compared to classic Zellweger syndrome (Berendse 2019, Poll-The 2004), while the severity of disease in compound heterozygous individuals is determined by the second PEX1 variant (Berendse 2019). This variant is found in the non-Finnish European population with an allele frequency of 0.06% (80/129056 alleles) in the Genome Aggregation Database (v2.1.1). Functional analyses show that the variant protein only retains 15% of the activity compared to wild-type PEX1 (Reuber 1997). Computational analyses predict that this variant is deleterious (REVEL: 0.984). Based on available information, this variant is considered to be pathogenic. References: Berendse K et al. Hepatic symptoms and histology in 13 patients with a Zellweger spectrum disorder. J Inherit Metab Dis. 2019 Sep. PMID: 31150129. Gragnaniello V et al. Abnormal activation of MAPKs pathways and inhibition of autophagy in a group of patients with Zellweger spectrum disorders and X-linked adrenoleukodystrophy. Orphanet J Rare Dis. 2023 Nov 16. PMID: 37974207. Griffith J, 3rd et al. Inherited Retinal Dystrophy in Southeastern United States: Characterization of South Carolina Patients and Comparative Literature Review. Genes (Basel). 2022 Aug 20. PMID: 36011402. Maxwell MA et al. Novel PEX1 mutations and genotype-phenotype correlations in Australasian peroxisome biogenesis disorder patients. Hum Mutat. 2002 Nov. PMID: 12402331. Poll-The BT et al. Peroxisome biogenesis disorders with prolonged survival: phenotypic expression in a cohort of 31 patients. Am J Med Genet A. 2004 May 1. PMID: 15098231 Reuber BE et al. Mutations in PEX1 are the most common cause of peroxisome biogenesis disorders. Nature genetics. 1997 Dec. PMID: 9398847.

Victorian Clinical Genetics Services, Murdoch Childrens Research Institute
Classification: Pathogenic for Peroxisome biogenesis disorder due to PEX1 defect. Last evaluated: 2024-10-09. Review status: criteria provided, single submitter. Criteria: ACMG Guidelines, 2015. Collection method: clinical testing. Allele origin: germline. Inheritance: Autosomal recessive inheritance. Affected: yes.
Comment: Based on the classification scheme VCGS_Germline_v1.3.4, this variant is classified as Pathogenic. Following criteria are met: 0102 - Loss of function is a known mechanism of disease in this gene and is associated with Heimler syndrome 1 (MIM#234580), peroxisome biogenesis disorder 1A (Zellweger; MIM#214100) and peroxisome biogenesis disorder 1B (NALD/IRD; MIM#601539). (I) 0106 - This gene is associated with autosomal recessive disease. (I) 0200 - Variant is predicted to result in a missense amino acid change from glycine to aspartic acid. (I) 0251 - This variant is heterozygous. (I) 0304 - Variant is present in gnomAD (v2) <0.01 for a recessive condition (89 heterozygotes, 0 homozygotes). (SP) 0501 - Missense variant consistently predicted to be damaging by multiple in silico tools or highly conserved with a major amino acid change. (SP) 0604 - Variant is not located in an established domain, motif, hotspot or informative constraint region. (I) 0705 - No comparable missense variants have previous evidence for pathogenicity. (I) 0801 - This variant has strong previous evidence of pathogenicity in unrelated individuals. This variant has been reported greater than thirty times as pathogenic in ClinVar. (SP) 1201 - Heterozygous variant detected in trans with a second pathogenic heterozygous variant (NM_000466.2:c.2528G>A; p.(Gly973Alafs*16)) in a recessive disease. (I) Legend: (SP) - Supporting pathogenic, (I) - Information, (SB) - Supporting benign

Blueprint Genetics
Classification: Pathogenic for PEX1-related disorders. Last evaluated: 2024-09-19. Review status: criteria provided, single submitter. Criteria: ACMG Guidelines, 2015. Collection method: clinical testing. Allele origin: germline. Affected: yes. Observed: 5 variant alleles.

NM_000466.3(PEX1):c.2528G>A (p.Gly843Asp)

Gene: PEX1 (peroxisomal biogenesis factor 1; minus strand). Cytogenetic location: 7q21.2.
Variant type: single nucleotide variant.
Coding change: c.2528G>A on transcript NM_000466.3 (MANE Select); coding-DNA position 2528, G replaced by A.
Protein change: p.Gly843Asp; replaces glycine 843 with aspartic acid.
Molecular consequence: missense variant.
Genome position (GRCh38, 1-based): chr7:92,501,562, C>T on the plus strand (G>A on the coding strand, the complement: PEX1 is on the minus strand). VCF-style: chr7-92501562-C-T. GRCh37 (hg19) VCF-style: chr7-92130876-C-T.
Other names: NM_000466.2(PEX1):c.2528G>A(p.Gly843Asp); NM_001282677.1(PEX1):c.2357G>A(p.Gly786Asp); NM_001282678.1(PEX1):c.1904G>A(p.Gly635Asp); c.2357G>A, p.Gly786Asp (NM_001282677.2); c.1904G>A, p.Gly635Asp (NM_001282678.2); short protein forms G843D, G635D, G786D.
Identifiers: ClinVar variation 7516 (VCV000007516.111), dbSNP rs61750420, ClinGen allele CA220977.